The following is an entry in ClinVar:

NM_000298.6(PKLR):c.1029G>C (p.Glu343Asp)

Gene: PKLR (pyruvate kinase L/R; minus strand). Cytogenetic location: 1q22.
Variant type: single nucleotide variant.
Coding change: c.1029G>C on transcript NM_000298.6 (MANE Select); coding-DNA position 1029, G replaced by C.
Protein change: p.Glu343Asp; replaces glutamic acid 343 with aspartic acid.
Molecular consequence: missense variant.
Genome position (GRCh38, 1-based): chr1:155,294,322, C>G on the plus strand (G>C on the coding strand, the complement: PKLR is on the minus strand). VCF-style: chr1-155294322-C-G. GRCh37 (hg19) VCF-style: chr1-155264113-C-G.
Other names: c.936G>C, p.Glu312Asp (NM_181871.4); short protein forms E312D, E343D.
Identifiers: ClinVar variation 2444037 (VCV002444037.1), dbSNP rs2525287628, ClinGen allele CA342753462.

ClinVar aggregate classification (germline): Uncertain significance (1 of 4 stars; one submission).

Conditions:
Pyruvate kinase hyperactivity. Identifiers: MedGen C1863224, MONDO:0007067, OMIM 102900.

Submission:

3billion
Classification: Uncertain significance for Pyruvate kinase hyperactivity. Last evaluated: 2023-02-23. Review status: criteria provided, single submitter. Criteria: ACMG Guidelines, 2015. Collection method: clinical testing. Allele origin: unknown. Affected: yes.
Comment: The variant is not observed in the gnomAD v2.1.1 dataset. Missense changes are a common disease-causing mechanism. In silico tool predictions suggest damaging effect of the variant on gene or gene product (REVEL: 0.90; 3Cnet: 0.96). Therefore, this variant is classified as VUS according to the recommendation of ACMG/AMP guideline.